The following is an entry in ClinVar:

NM_182493.3(MYLK3):c.1103C>A (p.Ala368Asp)

Gene: MYLK3 (myosin light chain kinase 3; minus strand). Cytogenetic location: 16q11.2.
Variant type: single nucleotide variant.
Coding change: c.1103C>A on transcript NM_182493.3 (MANE Select); coding-DNA position 1103, C replaced by A.
Protein change: p.Ala368Asp; replaces alanine 368 with aspartic acid.
Molecular consequence: missense variant.
Genome position (GRCh38, 1-based): chr16:46,732,567, G>T on the plus strand (C>A on the coding strand, the complement: MYLK3 is on the minus strand). VCF-style: chr16-46732567-G-T. GRCh37 (hg19) VCF-style: chr16-46766479-G-T.
Other names: c.80C>A, p.Ala27Asp (NM_001308301.1); c.1103C>A (NM_182493.2); short protein forms A27D, A368D.
Identifiers: ClinVar variation 1464336 (VCV001464336.10), dbSNP rs1032591620, ClinGen allele CA280230508.

ClinVar aggregate classification (germline): Uncertain significance. Review status: criteria provided, multiple submitters, no conflicts (2 of 4 stars). 2 submissions from 2 submitters: Uncertain significance (2). Last evaluated 2026-01-11.

Allele frequency attached by ClinVar (database versions not stated): gnomAD exomes below 0.00001; gnomAD 0.00004 and 0.00005; TOPMed 0.00004.
gnomAD v4.1: 17 of 1,599,638 alleles (0.0011%); highest among the groups gnomAD compares: Admixed American, 0.017%; no homozygotes.

Submissions (2):

Labcorp Genetics (formerly Invitae), Labcorp
Classification: Uncertain significance. Last evaluated: 2026-01-11. Review status: criteria provided, single submitter. Criteria: Invitae Variant Classification Sherloc (09022015). Collection method: clinical testing. Allele origin: germline.
Comment: This sequence change replaces alanine, which is neutral and non-polar, with aspartic acid, which is acidic and polar, at codon 368 of the MYLK3 protein (p.Ala368Asp). The frequency data for this variant in the population databases is considered unreliable, as metrics indicate poor data quality at this position in the gnomAD database. This variant has not been reported in the literature in individuals affected with MYLK3-related conditions. ClinVar contains an entry for this variant (Variation ID: 1464336). An algorithm developed to predict the effect of missense changes on protein structure and function (PolyPhen-2) suggests that this variant is likely to be disruptive. In summary, the available evidence is currently insufficient to determine the role of this variant in disease. Therefore, it has been classified as a Variant of Uncertain Significance.

Ambry Genetics
Classification: Uncertain significance. Last evaluated: 2023-12-11. Review status: criteria provided, single submitter. Criteria: Ambry Variant Classification Scheme 2023. Collection method: clinical testing. Allele origin: germline.